The following is an entry in ClinVar:

NM_004004.6(GJB2):c.292C>G (p.Arg98Gly)

Gene: GJB2 (gap junction protein beta 2; minus strand). Cytogenetic location: 13q12.11.
Variant type: single nucleotide variant.
Coding change: c.292C>G on transcript NM_004004.6 (MANE Select); coding-DNA position 292, C replaced by G.
Protein change: p.Arg98Gly; replaces arginine 98 with glycine.
Molecular consequence: missense variant.
Genome position (GRCh38, 1-based): chr13:20,189,290, G>C on the plus strand (C>G on the coding strand, the complement: GJB2 is on the minus strand). VCF-style: chr13-20189290-G-C. GRCh37 (hg19) VCF-style: chr13-20763429-G-C.
Other names: short protein forms R98G.
Identifiers: ClinVar variation 3251915 (VCV003251915.1), dbSNP rs529440698.
Genomic context (GRCh38, chr13:20,189,290, plus strand): 5'-TGTCCTTAAATTCACTCTTTATCTCCCCCTTGATGAACTTCCTCTTCTTCTCATGTCTCC[G>C]GTAGGCCACGTGCATGGCCACTAGGAGCGCTGGCGTGGACACGAAGATCAGCTGCAGGGC-3'
Protein context (NP_003995.2, residues 88-108): ALLVAMHVAY[Arg98Gly]RHEKKRKFIK

ClinVar aggregate classification (germline): Uncertain significance (1 of 4 stars; one submission).

Submission:

Women's Health and Genetics/Laboratory Corporation of America, LabCorp
Classification: Uncertain significance. Last evaluated: 2024-04-17. Review status: criteria provided, single submitter. Criteria: LabCorp Variant Classification Summary - May 2015. Collection method: clinical testing. Allele origin: germline.
Comment: Variant summary: GJB2 c.292C>G (p.Arg98Gly) results in a non-conservative amino acid change located in the Connexin, N-terminal domain (IPR013092) of the encoded protein sequence. Four of five in-silico tools predict a damaging effect of the variant on protein function. The variant allele was found at a frequency of 4e-06 in 250996 control chromosomes. The available data on variant occurrences in the general population are insufficient to allow any conclusion about variant significance. To our knowledge, no occurrence of c.292C>G in individuals affected with Non-Syndromic Hearing Loss and no experimental evidence demonstrating its impact on protein function have been reported. No submitters have cited clinical-significance assessments for this variant to ClinVar. Based on the evidence outlined above, the variant was classified as uncertain significance.